The following is an entry in ClinVar:

ClinVar aggregate classification (germline): Uncertain significance. Review status: criteria provided, multiple submitters, no conflicts (2 of 4 stars). 2 submissions from 2 submitters: Uncertain significance (2). Last evaluated 2024-05-24.

Allele frequency attached by ClinVar (database versions not stated): gnomAD exomes 0.00002; gnomAD 0.00003; TOPMed 0.00003; 1000 Genomes Project 30x 0.00031; 1000 Genomes Project 0.00040.
gnomAD v4.1: 40 of 1,516,626 alleles (0.0026%); highest among the groups gnomAD compares: East Asian, 0.025%; no homozygotes.

Submissions (2):

Blueprint Genetics
Classification: Uncertain significance. Last evaluated: 2024-05-24. Review status: criteria provided, single submitter. Criteria: ACMG Guidelines, 2015. Collection method: clinical testing. Allele origin: germline.

Labcorp Genetics (formerly Invitae), Labcorp
Classification: Uncertain significance. Last evaluated: 2024-01-22. Review status: criteria provided, single submitter. Criteria: Invitae Variant Classification Sherloc (09022015). Collection method: clinical testing. Allele origin: germline.
Comment: This sequence change replaces proline, which is neutral and non-polar, with leucine, which is neutral and non-polar, at codon 126 of the RAX2 protein (p.Pro126Leu). This variant is present in population databases (rs537165398, gnomAD 0.003%). This variant has not been reported in the literature in individuals affected with RAX2-related conditions. ClinVar contains an entry for this variant (Variation ID: 2416987). An algorithm developed to predict the effect of missense changes on protein structure and function (PolyPhen-2) suggests that this variant is likely to be disruptive. In summary, the available evidence is currently insufficient to determine the role of this variant in disease. Therefore, it has been classified as a Variant of Uncertain Significance.

NM_001319074.4(RAX2):c.377C>T (p.Pro126Leu)

Gene: RAX2 (retina and anterior neural fold homeobox 2; minus strand). Cytogenetic location: 19p13.3.
Variant type: single nucleotide variant.
Coding change: c.377C>T on transcript NM_001319074.4 (MANE Select); coding-DNA position 377, C replaced by T.
Protein change: p.Pro126Leu; replaces proline 126 with leucine.
Molecular consequence: missense variant.
Genome position (GRCh38, 1-based): chr19:3,770,799, G>A on the plus strand (C>T on the coding strand, the complement: RAX2 is on the minus strand). VCF-style: chr19-3770799-G-A. GRCh37 (hg19) VCF-style: chr19-3770797-G-A.
Other names: c.377C>T, p.Pro126Leu (NM_032753.4); short protein forms P126L.
Identifiers: ClinVar variation 2416987 (VCV002416987.7), dbSNP rs537165398, ClinGen allele CA304416711.